The following is an entry in ClinVar:

ClinVar aggregate classification (germline): Benign (1 of 4 stars; one submission).

Allele frequency attached by ClinVar (database versions not stated): ESP Exome Variant Server 0.00033; TOPMed 0.00047; gnomAD exomes 0.00060; 1000 Genomes Project 30x 0.00062; gnomAD 0.00065; 1000 Genomes Project 0.00080; ExAC 0.00081.

Submission:

CeGaT Center for Human Genetics Tuebingen
Classification: Benign. Last evaluated: 2022-08-01. Review status: criteria provided, single submitter. Criteria: CeGaT Center For Human Genetics Tuebingen Variant Classification Criteria Version 2. Collection method: clinical testing. Allele origin: germline. Affected: yes. Observed: 2 variant alleles.
Comment: DCTN2: BS1, BS2

NM_001261413.2(DCTN2):c.782T>C (p.Val261Ala)

Gene: DCTN2 (dynactin subunit 2; minus strand). Cytogenetic location: 12q13.3.
Variant type: single nucleotide variant.
Coding change: c.782T>C on transcript NM_001261413.2 (MANE Select); coding-DNA position 782, T replaced by C.
Protein change: p.Val261Ala; replaces valine 261 with alanine.
Molecular consequence: missense variant. On other transcripts: non-coding transcript variant (1).
Genome position (GRCh38, 1-based): chr12:57,532,803, A>G on the plus strand (T>C on the coding strand, the complement: DCTN2 is on the minus strand). VCF-style: chr12-57532803-A-G. GRCh37 (hg19) VCF-style: chr12-57926586-A-G.
Other names: c.788T>C, p.Val263Ala (NM_001261412.2); c.917T>C, p.Val306Ala (NM_001348065.2); c.713T>C, p.Val238Ala (NM_001348066.2); c.521T>C, p.Val174Ala (NM_001348067.2, NM_001348068.2); c.797T>C, p.Val266Ala (NM_006400.5); short protein forms V174A, V238A, V261A, V263A, V266A, V306A.
Identifiers: ClinVar variation 2643137 (VCV002643137.24), dbSNP rs200641932, ClinGen allele CA6652133.